The following is an entry in ClinVar:

NM_002439.5(MSH3):c.341G>C (p.Gly114Ala)

Gene: MSH3 (mutS homolog 3; plus strand). Cytogenetic location: 5q14.1.
Variant type: single nucleotide variant.
Coding change: c.341G>C on transcript NM_002439.5 (MANE Select); coding-DNA position 341, G replaced by C.
Protein change: p.Gly114Ala; replaces glycine 114 with alanine.
Molecular consequence: missense variant.
Genome position (GRCh38, 1-based): chr5:80,656,514, G>C. VCF-style: chr5-80656514-G-C. GRCh37 (hg19) VCF-style: chr5-79952333-G-C.
Other names: c.341G>C (NM_002439.3); short protein forms G114A.
Identifiers: ClinVar variation 3716411 (VCV003716411.3).

ClinVar aggregate classification (germline): Uncertain significance. Review status: criteria provided, multiple submitters, no conflicts (2 of 4 stars). 2 submissions from 2 submitters: Uncertain significance (2). Last evaluated 2024-12-16.

Conditions:
Hereditary cancer-predisposing syndrome. Also called: Tumor predisposition; Hereditary Cancer Syndrome; Hereditary neoplastic syndrome; Neoplastic Syndromes, Hereditary. Identifiers: Orphanet 140162, MedGen C0027672, MeSH D009386, MONDO:0015356.

gnomAD v4.1: 1 of 1,614,204 alleles (0.000062%); highest among the groups gnomAD compares: Non-Finnish European, 0.000085%; no homozygotes.

Submissions (2):

Ambry Genetics
Classification: Uncertain significance for Hereditary cancer-predisposing syndrome. Last evaluated: 2024-12-16. Review status: criteria provided, single submitter. Criteria: Ambry Variant Classification Scheme 2023. Collection method: clinical testing. Allele origin: germline.
Comment: The p.G114A variant (also known as c.341G>C), located in coding exon 2 of the MSH3 gene, results from a G to C substitution at nucleotide position 341. The glycine at codon 114 is replaced by alanine, an amino acid with similar properties. This amino acid position is conserved. In addition, this alteration is predicted to be tolerated by in silico analysis. Based on the available evidence, the clinical significance of this variant remains unclear.

Labcorp Genetics (formerly Invitae), Labcorp
Classification: Uncertain significance. Last evaluated: 2024-03-02. Review status: criteria provided, single submitter. Criteria: Invitae Variant Classification Sherloc (09022015). Collection method: clinical testing. Allele origin: germline.
Comment: This sequence change replaces glycine, which is neutral and non-polar, with alanine, which is neutral and non-polar, at codon 114 of the MSH3 protein (p.Gly114Ala). This variant is not present in population databases (gnomAD no frequency). This variant has not been reported in the literature in individuals affected with MSH3-related conditions. Algorithms developed to predict the effect of missense changes on protein structure and function output the following: SIFT: "Not Available"; PolyPhen-2: "Benign"; Align-GVGD: "Not Available". The alanine amino acid residue is found in multiple mammalian species, which suggests that this missense change does not adversely affect protein function. In summary, the available evidence is currently insufficient to determine the role of this variant in disease. Therefore, it has been classified as a Variant of Uncertain Significance.